The following is an entry in ClinVar:

ClinVar aggregate classification (germline): Uncertain significance (1 of 4 stars; one submission).

Conditions:
Neurodevelopmental disorder with visual defects and brain anomalies. Identifiers: MedGen C5231404, MONDO:0032807, OMIM 618547.
Hemolytic anemia due to hexokinase deficiency (CNSHA5). Also called: ANEMIA, CONGENITAL, NONSPHEROCYTIC HEMOLYTIC, 5; Non-spherocytic hemolytic anemia due to hexokinase deficiency; Hexokinase deficiency hemolytic anemia; HEMOLYTIC ANEMIA, NONSPHEROCYTIC, DUE TO HEXOKINASE DEFICIENCY. Identifiers: Orphanet 90031, MedGen C3150343, MONDO:0009340, OMIM 235700.
Charcot-Marie-Tooth disease type 4G. Also called: CHARCOT-MARIE-TOOTH DISEASE, DEMYELINATING, TYPE 4G; Neuropathy, hereditary motor and sensory, Russe type; CHARCOT-MARIE-TOOTH NEUROPATHY, TYPE 4G. Identifiers: Orphanet 99953, MedGen C1854449, MONDO:0011534, OMIM 605285.
Retinitis pigmentosa 79 (RP79). Identifiers: MedGen C4479526, MONDO:0044320, OMIM 617460.

Submission:

Juno Genomics, Hangzhou Juno Genomics, Inc
Classification: Uncertain significance for Hemolytic anemia due to hexokinase deficiency; Neurodevelopmental disorder with visual defects and brain anomalies; Charcot-Marie-Tooth disease type 4G; Retinitis pigmentosa 79. Review status: criteria provided, single submitter. Criteria: ACMG Guidelines, 2015. Collection method: clinical testing. Allele origin: germline.
Comment: Absent from controls (or at extremely low frequency if recessive) in Genome Aggregation Database.;Missense variant in a gene that has a low rate of benign missense variation.;Multiple lines of computational evidence support a deleterious effect on the gene or gene product.

NM_000188.3(HK1):c.2545A>G (p.Arg849Gly)

Gene: HK1 (hexokinase 1; plus strand). Cytogenetic location: 10q22.1.
Variant type: single nucleotide variant.
Coding change: c.2545A>G on transcript NM_000188.3 (MANE Select); coding-DNA position 2545, A replaced by G.
Protein change: p.Arg849Gly; replaces arginine 849 with glycine.
Molecular consequence: missense variant. On other transcripts: intron variant (1), non-coding transcript variant (2).
Genome position (GRCh38, 1-based): chr10:69,398,764, A>G. VCF-style: chr10-69398764-A-G. GRCh37 (hg19) VCF-style: chr10-71158520-A-G.
Other names: c.2376-2227A>G (NM_001441148.1); c.1906A>G, p.Arg636Gly (NM_001441151.1); c.1831A>G, p.Arg611Gly (NM_001441152.1); c.1537A>G, p.Arg513Gly (NM_001441153.1); c.2542A>G, p.Arg848Gly (NM_033496.3, NM_001441139.1); c.2557A>G, p.Arg853Gly (NM_033497.3, NM_033498.3, NM_001322364.2 and 1 more transcripts); c.2509A>G, p.Arg837Gly (NM_033500.2); c.2650A>G, p.Arg884Gly (NM_001322365.2); and 10 more; short protein forms R809G, R848G, R853G, R636G, R719G, R775G, R835G, R513G.
Identifiers: ClinVar variation 5007726 (VCV005007726.2).
Genomic context (GRCh38, chr10:69,398,764, plus strand): 5'-AGGGCCGCACAGCTGTGTGGCGCAGGCATGGCTGCGGTTGTGGATAAGATCCGCGAGAAC[A>G]GAGGACTGGACCGTCTGAATGTGACTGTGGGAGTGGACGGGACACTCTACAAGCTTCATC-3'
Protein context (NP_000179.2, residues 839-859): AAVVDKIREN[Arg849Gly]GLDRLNVTVG